The following is an entry in ClinVar:

ClinVar aggregate classification (germline): Uncertain significance (1 of 4 stars; one submission).

Allele frequency attached by ClinVar (database versions not stated): gnomAD 0.00002; TOPMed 0.00002.
gnomAD v4.1: 14 of 1,612,866 alleles (0.00087%); highest among the groups gnomAD compares: African/African-American, 0.0053%; no homozygotes.

Submission:

Labcorp Genetics (formerly Invitae), Labcorp
Classification: Uncertain significance. Last evaluated: 2022-06-24. Review status: criteria provided, single submitter. Criteria: Invitae Variant Classification Sherloc (09022015). Collection method: clinical testing. Allele origin: germline.
Comment: This sequence change replaces isoleucine, which is neutral and non-polar, with valine, which is neutral and non-polar, at codon 682 of the FREM1 protein (p.Ile682Val). The frequency data for this variant in the population databases is considered unreliable, as metrics indicate poor data quality at this position in the gnomAD database. This variant has not been reported in the literature in individuals affected with FREM1-related conditions. Algorithms developed to predict the effect of missense changes on protein structure and function output the following: SIFT: "Tolerated"; PolyPhen-2: "Benign"; Align-GVGD: "Class C0". The valine amino acid residue is found in multiple mammalian species, which suggests that this missense change does not adversely affect protein function. In summary, the available evidence is currently insufficient to determine the role of this variant in disease. Therefore, it has been classified as a Variant of Uncertain Significance.

NM_001379081.2(FREM1):c.2044A>G (p.Ile682Val)

Gene: FREM1 (FRAS1 related extracellular matrix 1; minus strand). Cytogenetic location: 9p22.3.
Variant type: single nucleotide variant.
Coding change: c.2044A>G on transcript NM_001379081.2 (MANE Select); coding-DNA position 2044, A replaced by G.
Protein change: p.Ile682Val; replaces isoleucine 682 with valine.
Molecular consequence: missense variant. On other transcripts: non-coding transcript variant (2).
Genome position (GRCh38, 1-based): chr9:14,824,830, T>C on the plus strand (A>G on the coding strand, the complement: FREM1 is on the minus strand). VCF-style: chr9-14824830-T-C. GRCh37 (hg19) VCF-style: chr9-14824828-T-C.
Other names: c.2044A>G, p.Ile682Val (NM_144966.7); short protein forms I682V.
Identifiers: ClinVar variation 1986176 (VCV001986176.1), dbSNP rs1411131000, ClinGen allele CA372956926.